The following is an entry in ClinVar:

ClinVar aggregate classification (germline): Uncertain significance. Review status: criteria provided, multiple submitters, no conflicts (2 of 4 stars). 2 submissions from 2 submitters: Uncertain significance (2). Last evaluated 2025-01-26.

Conditions:
Hereditary cancer-predisposing syndrome. Also called: Neoplastic Syndromes, Hereditary; Tumor predisposition; Hereditary Cancer Syndrome; Hereditary neoplastic syndrome. Identifiers: Orphanet 140162, MedGen C0027672, MeSH D009386, MONDO:0015356.
Rhabdoid tumor predisposition syndrome 2 (RTPS2). Identifiers: Orphanet 231108, Orphanet 69077, MedGen C2750074, MONDO:0013224, OMIM 613325.

Submissions (2):

Labcorp Genetics (formerly Invitae), Labcorp
Classification: Uncertain significance for Rhabdoid tumor predisposition syndrome 2. Last evaluated: 2025-01-26. Review status: criteria provided, single submitter. Criteria: Invitae Variant Classification Sherloc (09022015). Collection method: clinical testing. Allele origin: germline.
Comment: This sequence change replaces threonine, which is neutral and polar, with lysine, which is basic and polar, at codon 1264 of the SMARCA4 protein (p.Thr1264Lys). This variant is not present in population databases (gnomAD no frequency). This variant has not been reported in the literature in individuals affected with SMARCA4-related conditions. ClinVar contains an entry for this variant (Variation ID: 648940). An algorithm developed to predict the effect of missense changes on protein structure and function (PolyPhen-2) suggests that this variant is likely to be tolerated. In summary, the available evidence is currently insufficient to determine the role of this variant in disease. Therefore, it has been classified as a Variant of Uncertain Significance.

Ambry Genetics
Classification: Uncertain significance for Hereditary cancer-predisposing syndrome. Last evaluated: 2023-04-27. Review status: criteria provided, single submitter. Criteria: Ambry Variant Classification Scheme 2023. Collection method: clinical testing. Allele origin: germline.
Comment: The p.T1264K variant (also known as c.3791C>A), located in coding exon 26 of the SMARCA4 gene, results from a C to A substitution at nucleotide position 3791. The threonine at codon 1264 is replaced by lysine, an amino acid with similar properties. This amino acid position is well conserved on limited sequence alignment. In addition, the in silico prediction for this alteration is inconclusive. Missense and in-frame variants in SMARCA4 are known to cause neurodevelopmental disorders; however, such associations with rhabdoid tumor predisposition syndrome including small cell carcinoma of the ovary-hypercalcemic type (SCCOHT) are exceedingly rare (Kosho T et al. Am J Med Genet C Semin Med Genet. 2014 Sep;166C(3):262-75; Jelinic P et al. Nat Genet. 2014 May;46(5):424-6). Based on the supporting evidence, the association of this alteration with Coffin-Siris syndrome is unknown; however, the association of this alteration with rhabdoid tumor predisposition syndrome is unlikely.

NM_003072.5(SMARCA4):c.3791C>A (p.Thr1264Lys)

Gene: SMARCA4 (SWI/SNF related BAF chromatin remodeling complex subunit ATPase 4; plus strand). Cytogenetic location: 19p13.2.
Variant type: single nucleotide variant.
Coding change: c.3791C>A on transcript NM_003072.5 (MANE Select); coding-DNA position 3791, C replaced by A.
Protein change: p.Thr1264Lys; replaces threonine 1264 with lysine.
Molecular consequence: missense variant. On other transcripts: intron variant (5).
Genome position (GRCh38, 1-based): chr19:11,033,783, C>A. VCF-style: chr19-11033783-C-A. GRCh37 (hg19) VCF-style: chr19-11144459-C-A.
Other names: c.3791C>A, p.Thr1264Lys (NM_001128844.3, NM_001128849.3, NM_001387283.1); c.3774+266C>A (NM_001128847.4, NM_001374457.1, NM_001128845.2 and 2 more transcripts); short protein forms T1264K.
Identifiers: ClinVar variation 648940 (VCV000648940.11), dbSNP rs377119410, ClinGen allele CA404066439.